The following is an entry in ClinVar:

ClinVar aggregate classification (germline): Uncertain significance (1 of 4 stars; one submission).

Conditions:
Perlman syndrome (PRLMNS). Identifiers: Orphanet 2849, MedGen C0796113, MONDO:0009965, OMIM 267000.

Submission:

Labcorp Genetics (formerly Invitae), Labcorp
Classification: Uncertain significance for Perlman syndrome. Last evaluated: 2023-10-13. Review status: criteria provided, single submitter. Criteria: Invitae Variant Classification Sherloc (09022015). Collection method: clinical testing. Allele origin: germline.
Comment: This sequence change replaces glycine, which is neutral and non-polar, with serine, which is neutral and polar, at codon 71 of the DIS3L2 protein (p.Gly71Ser). This variant is not present in population databases (gnomAD no frequency). This variant has not been reported in the literature in individuals affected with DIS3L2-related conditions. ClinVar contains an entry for this variant (Variation ID: 2089361). An algorithm developed to predict the effect of missense changes on protein structure and function (PolyPhen-2) suggests that this variant is likely to be disruptive. Algorithms developed to predict the effect of sequence changes on RNA splicing suggest that this variant may disrupt the consensus splice site. In summary, the available evidence is currently insufficient to determine the role of this variant in disease. Therefore, it has been classified as a Variant of Uncertain Significance.

NM_152383.5(DIS3L2):c.211G>A (p.Gly71Ser)

Gene: DIS3L2 (DIS3 like 3'-5' exoribonuclease 2; plus strand). Cytogenetic location: 2q37.1.
Variant type: single nucleotide variant.
Coding change: c.211G>A on transcript NM_152383.5 (MANE Select); coding-DNA position 211, G replaced by A.
Protein change: p.Gly71Ser; replaces glycine 71 with serine.
Molecular consequence: missense variant. On other transcripts: non-coding transcript variant (2).
Genome position (GRCh38, 1-based): chr2:232,024,277, G>A. VCF-style: chr2-232024277-G-A. GRCh37 (hg19) VCF-style: chr2-232888987-G-A.
Other names: c.211G>A, p.Gly71Ser (NM_001257281.2, NM_001257282.2); short protein forms G71S.
Identifiers: ClinVar variation 2089361 (VCV002089361.4), dbSNP rs2469611788, ClinGen allele CA351152709.